The following is an entry in ClinVar:

ClinVar aggregate classification (germline): Likely benign (1 of 4 stars; one submission).

Conditions:
Fanconi anemia complementation group J. Also called: BRIP1-Related Fanconi Anemia. Identifiers: Orphanet 84, MedGen C1836860, MONDO:0012187, OMIM 609054.

Allele frequency attached by ClinVar (database versions not stated): gnomAD exomes 0.00017; gnomAD 0.00371 and 0.00405; 1000 Genomes Project 0.00439; TOPMed 0.00467; 1000 Genomes Project 30x 0.00500.
gnomAD v4.1: 718 of 1,028,132 alleles (0.07%); highest among the groups gnomAD compares: African/African-American, 1.1%; 4 homozygotes.

Submission:

Illumina Laboratory Services, Illumina
Classification: Likely benign for Fanconi anemia complementation group J. Last evaluated: 2018-01-12. Review status: criteria provided, single submitter. Criteria: ICSL Variant Classification Criteria 13 December 2019. Collection method: clinical testing. Allele origin: germline.
Comment: This variant was observed in the ICSL laboratory as part of a predisposition screen in an ostensibly healthy population. It had not been previously curated by ICSL or reported in the Human Gene Mutation Database (HGMD: prior to June 1st, 2018), and was therefore a candidate for classification through an automated scoring system. Utilizing variant allele frequency, disease prevalence and penetrance estimates, and inheritance mode, an automated score was calculated to assess if this variant is too frequent to cause the disease. Based on the score and internal cut-off values, a variant classified as likely benign is not then subjected to further curation. The score for this variant resulted in a classification of likely benign for this disease.

NM_032043.3(BRIP1):c.*152G>T

Gene: BRIP1 (BRCA1 interacting DNA helicase 1; minus strand). Cytogenetic location: 17q23.2.
Variant type: single nucleotide variant.
Coding change: c.*152G>T on transcript NM_032043.3 (MANE Select); 152 bases downstream of the stop codon, G replaced by T.
Molecular consequence: 3 prime UTR variant.
Genome position (GRCh38, 1-based): chr17:61,683,144, C>A on the plus strand (G>T on the coding strand, the complement: BRIP1 is on the minus strand). VCF-style: chr17-61683144-C-A. GRCh37 (hg19) VCF-style: chr17-59760505-C-A.
Identifiers: ClinVar variation 324345 (VCV000324345.5), dbSNP rs540229694, ClinGen allele CA10646341.